The following is an entry in ClinVar:

ClinVar aggregate classification (germline): Conflicting classifications of pathogenicity. Review status: criteria provided, conflicting classifications (1 of 4 stars). 2 submissions from 2 submitters: Uncertain significance (1); Likely benign (1). Last evaluated 2025-10-16.

Conditions:
COL12A1-related disorder. Also called: COL12A1-related condition.
Ullrich congenital muscular dystrophy 2 (UCMD2). Identifiers: Orphanet 75840, MedGen C4225314, MONDO:0014654, OMIM 616470.
Bethlem myopathy 2 (BTHLM2). Identifiers: Orphanet 536516, Orphanet 610, MedGen C4225313, MONDO:0034022, OMIM 616471.

Allele frequency attached by ClinVar (database versions not stated): gnomAD 0.00001; gnomAD exomes 0.00001; TOPMed 0.00001; ExAC 0.00002; 1000 Genomes Project 30x 0.00016; 1000 Genomes Project 0.00020.
gnomAD v4.1: 25 of 1,613,046 alleles (0.0015%); highest among the groups gnomAD compares: East Asian, 0.0089%; no homozygotes.

Submissions (2):

PreventionGenetics, part of Exact Sciences
Classification: Uncertain significance for COL12A1-related condition. Last evaluated: 2025-10-16. Review status: criteria provided, single submitter. Criteria: ACMG Guidelines, 2015. Collection method: clinical testing. Allele origin: germline.
Comment: The COL12A1 c.746C>T variant is predicted to result in the amino acid substitution p.Thr249Met. To our knowledge, this variant has not been reported in the literature. This variant is reported in 0.0065% of alleles in individuals of African descent in gnomAD. At this time, the clinical significance of this variant is uncertain due to the absence of conclusive functional and genetic evidence.

Labcorp Genetics (formerly Invitae), Labcorp
Classification: Likely benign for Bethlem myopathy 2; Ullrich congenital muscular dystrophy 2. Last evaluated: 2023-11-03. Review status: criteria provided, single submitter. Criteria: Invitae Variant Classification Sherloc (09022015). Collection method: clinical testing. Allele origin: germline.

NM_004370.6(COL12A1):c.746C>T (p.Thr249Met)

Gene: COL12A1 (collagen type XII alpha 1 chain; minus strand). Cytogenetic location: 6q13.
Variant type: single nucleotide variant.
Coding change: c.746C>T on transcript NM_004370.6 (MANE Select); coding-DNA position 746, C replaced by T.
Protein change: p.Thr249Met; replaces threonine 249 with methionine.
Molecular consequence: missense variant. On other transcripts: intron variant (1).
Genome position (GRCh38, 1-based): chr6:75,189,294, G>A on the plus strand (C>T on the coding strand, the complement: COL12A1 is on the minus strand). VCF-style: chr6-75189294-G-A. GRCh37 (hg19) VCF-style: chr6-75899010-G-A.
Other names: c.746C>T (NM_004370.5); c.73+13426C>T (NM_080645.3); short protein forms T249M.
Identifiers: ClinVar variation 1045151 (VCV001045151.10), dbSNP rs572216195, ClinGen allele CA3894357.